The following is an entry in ClinVar:

NM_000243.3(MEFV):c.2176G>A (p.Val726Ile)

Gene: MEFV (MEFV innate immunity regulator, pyrin; minus strand). Cytogenetic location: 16p13.3.
Variant type: single nucleotide variant.
Coding change: c.2176G>A on transcript NM_000243.3 (MANE Select); coding-DNA position 2176, G replaced by A.
Protein change: p.Val726Ile; replaces valine 726 with isoleucine.
Molecular consequence: missense variant. On other transcripts: 3 prime UTR variant (1).
Genome position (GRCh38, 1-based): chr16:3,243,311, C>T on the plus strand (G>A on the coding strand, the complement: MEFV is on the minus strand). VCF-style: chr16-3243311-C-T. GRCh37 (hg19) VCF-style: chr16-3293311-C-T.
Other names: c.*380G>A (NM_001198536.2); short protein forms V726I.
Identifiers: ClinVar variation 4535727 (VCV004535727.1).

ClinVar aggregate classification (germline): Uncertain significance (1 of 4 stars; one submission).

gnomAD v4.1: 1 of 1,614,222 alleles (0.000062%); highest among the groups gnomAD compares: Non-Finnish European, 0.000085%; no homozygotes.

Submission:

Women's Health and Genetics/Laboratory Corporation of America, LabCorp
Classification: Uncertain significance. Last evaluated: 2025-09-05. Review status: criteria provided, single submitter. Criteria: LabCorp Variant Classification Summary - May 2015. Collection method: clinical testing. Allele origin: germline.
Comment: Variant summary: MEFV c.2176G>A (p.Val726Ile) results in a conservative amino acid change in the encoded protein sequence. Algorithms developed to predict the effect of missense changes on protein structure and function all suggest that this variant is likely to be tolerated. The variant was absent in 251486 control chromosomes. c.2176G>A has been observed in at least one compound heterozygous individual affected with suspected Familial Mediterranean Fever (e.g. Soylu_2006). These data do not allow any conclusion about variant significance. A different variant affecting the same codon has been classified as likely pathogenic/pathogenic by our lab (c.2177T>C, p.Val726Ala), supporting the critical relevance of codon 726 to MEFV protein function. To our knowledge, no experimental evidence demonstrating an impact on protein function has been reported. No submitters have cited clinical-significance assessments for this variant to ClinVar. Based on the evidence outlined above, the variant was classified as VUS-possibly pathogenic.

Literature cited by the submitters: PubMed 16601545.